The following is an entry in ClinVar:

NM_000081.4(LYST):c.418T>C (p.Phe140Leu)

Gene: LYST (lysosomal trafficking regulator; minus strand). Cytogenetic location: 1q42.3.
Variant type: single nucleotide variant.
Coding change: c.418T>C on transcript NM_000081.4 (MANE Select); coding-DNA position 418, T replaced by C.
Protein change: p.Phe140Leu; replaces phenylalanine 140 with leucine.
Molecular consequence: missense variant.
Genome position (GRCh38, 1-based): chr1:235,810,400, A>G on the plus strand (T>C on the coding strand, the complement: LYST is on the minus strand). VCF-style: chr1-235810400-A-G. GRCh37 (hg19) VCF-style: chr1-235973700-A-G.
Other names: c.418T>C, p.Phe140Leu (NM_001301365.1); short protein forms F140L.
Identifiers: ClinVar variation 855312 (VCV000855312.7), dbSNP rs754991654, ClinGen allele CA1467635.

ClinVar aggregate classification (germline): Uncertain significance (1 of 4 stars; one submission).

Conditions:
Chédiak-Higashi syndrome (CHS). Also called: Chediak-Higashi Syndrome. Identifiers: Orphanet 167, MedGen C0007965, MONDO:0008963, OMIM 214500.

Allele frequency attached by ClinVar (database versions not stated): gnomAD exomes below 0.00001; ExAC 0.00001.
gnomAD v4.1: 1 of 1,612,208 alleles (0.000062%); highest among the groups gnomAD compares: Admixed American, 0.0017%; no homozygotes.

Submission:

Labcorp Genetics (formerly Invitae), Labcorp
Classification: Uncertain significance for Chédiak-Higashi syndrome. Last evaluated: 2021-09-01. Review status: criteria provided, single submitter. Criteria: Invitae Variant Classification Sherloc (09022015). Collection method: clinical testing. Allele origin: germline.
Comment: This sequence change replaces phenylalanine with leucine at codon 140 of the LYST protein (p.Phe140Leu). The phenylalanine residue is weakly conserved and there is a small physicochemical difference between phenylalanine and leucine. This variant is present in population databases (rs754991654, ExAC 0.009%). This variant has not been reported in the literature in individuals affected with LYST-related conditions. Algorithms developed to predict the effect of missense changes on protein structure and function output the following: SIFT: "Tolerated"; PolyPhen-2: "Benign"; Align-GVGD: "Class C0". The leucine amino acid residue is found in multiple mammalian species, which suggests that this missense change does not adversely affect protein function. In summary, the available evidence is currently insufficient to determine the role of this variant in disease. Therefore, it has been classified as a Variant of Uncertain Significance.